The following is an entry in ClinVar:

ClinVar aggregate classification (germline): Uncertain significance (1 of 4 stars; one submission).

Conditions:
Familial cancer of breast. Also called: Hereditary breast cancer; hereditary breast carcinoma; BREAST CANCER, FAMILIAL. Identifiers: Orphanet 227535, MedGen C0346153, MONDO:0016419, OMIM 114480. Disease mechanism: loss of function.

Submission:

Labcorp Genetics (formerly Invitae), Labcorp
Classification: Uncertain significance for Familial cancer of breast. Last evaluated: 2024-03-27. Review status: criteria provided, single submitter. Criteria: Invitae Variant Classification Sherloc (09022015). Collection method: clinical testing. Allele origin: germline.
Comment: This sequence change replaces tryptophan, which is neutral and slightly polar, with arginine, which is basic and polar, at codon 462 of the BARD1 protein (p.Trp462Arg). This variant is not present in population databases (gnomAD no frequency). This variant has not been reported in the literature in individuals affected with BARD1-related conditions. ClinVar contains an entry for this variant (Variation ID: 1004759). An algorithm developed to predict the effect of missense changes on protein structure and function (PolyPhen-2) suggests that this variant is likely to be disruptive. In summary, the available evidence is currently insufficient to determine the role of this variant in disease. Therefore, it has been classified as a Variant of Uncertain Significance.

NM_000465.4(BARD1):c.1384T>C (p.Trp462Arg)

Gene: BARD1 (BRCA1 associated RING domain 1; minus strand). Cytogenetic location: 2q35.
Variant type: single nucleotide variant.
Coding change: c.1384T>C on transcript NM_000465.4 (MANE Select); coding-DNA position 1384, T replaced by C.
Protein change: p.Trp462Arg; replaces tryptophan 462 with arginine.
Molecular consequence: missense variant. On other transcripts: non-coding transcript variant (3), intron variant (3).
Genome position (GRCh38, 1-based): chr2:214,769,243, A>G on the plus strand (T>C on the coding strand, the complement: BARD1 is on the minus strand). VCF-style: chr2-214769243-A-G. GRCh37 (hg19) VCF-style: chr2-215633967-A-G.
Other names: c.1327T>C, p.Trp443Arg (NM_001282543.2); c.159-16688T>C (NM_001282548.2); c.216-16688T>C (NM_001282545.2); c.364+23054T>C (NM_001282549.2); short protein forms W443R, W462R.
Identifiers: ClinVar variation 1004759 (VCV001004759.9), dbSNP rs1694358697, ClinGen allele CA350450126.